The following is an entry in ClinVar:

NM_001365951.3(KIF1B):c.2174C>T (p.Ala725Val)

Gene: KIF1B (kinesin family member 1B; plus strand). Cytogenetic location: 1p36.22.
Variant type: single nucleotide variant.
Coding change: c.2174C>T on transcript NM_001365951.3 (MANE Select); coding-DNA position 2174, C replaced by T.
Protein change: p.Ala725Val; replaces alanine 725 with valine.
Molecular consequence: missense variant.
Genome position (GRCh38, 1-based): chr1:10,320,101, C>T. VCF-style: chr1-10320101-C-T. GRCh37 (hg19) VCF-style: chr1-10380159-C-T.
Other names: c.2174C>T, p.Ala725Val (NM_001365952.1); c.2036C>T, p.Ala679Val (NM_015074.3); short protein forms A679V, A725V.
Identifiers: ClinVar variation 1320291 (VCV001320291.8), dbSNP rs773852256, ClinGen allele CA581463.

ClinVar aggregate classification (germline): Uncertain significance. Review status: criteria provided, multiple submitters, no conflicts (2 of 4 stars). 3 submissions from 3 submitters: Uncertain significance (3). Last evaluated 2025-10-28.

Conditions:
Charcot-Marie-Tooth disease type 2. Also called: Charcot-Marie-Tooth type 2. Identifiers: Orphanet 64746, MedGen C0270914, MONDO:0018993.
Pheochromocytoma. Also called: MAX-Related Hereditary Paraganglioma-Pheochromocytoma Syndrome. Identifiers: Orphanet 29072, MedGen C0031511, MONDO:0008233, OMIM 171300, HP:0002666.

Allele frequency attached by ClinVar (database versions not stated): gnomAD exomes 0.00001; TOPMed 0.00001; ExAC 0.00001.
gnomAD v4.1: 17 of 1,613,622 alleles (0.0011%); highest among the groups gnomAD compares: South Asian, 0.0055%; no homozygotes.

Submissions (3):

Ambry Genetics
Classification: Uncertain significance. Last evaluated: 2025-10-28. Review status: criteria provided, single submitter. Criteria: Ambry Variant Classification Scheme 2023. Collection method: clinical testing. Allele origin: germline.
Comment: The p.A679V variant (also known as c.2036C>T), located in coding exon 20 of the KIF1B gene, results from a C to T substitution at nucleotide position 2036. The alanine at codon 679 is replaced by valine, an amino acid with similar properties. This amino acid position is highly conserved in available vertebrate species. In addition, the in silico prediction for this alteration is inconclusive. Since supporting evidence is limited at this time, the clinical significance of this alteration remains unclear.

Labcorp Genetics (formerly Invitae), Labcorp
Classification: Uncertain significance for Charcot-Marie-Tooth disease type 2. Last evaluated: 2025-10-01. Review status: criteria provided, single submitter. Criteria: Invitae Variant Classification Sherloc (09022015). Collection method: clinical testing. Allele origin: germline.
Comment: This sequence change replaces alanine, which is neutral and non-polar, with valine, which is neutral and non-polar, at codon 679 of the KIF1B protein (p.Ala679Val). This variant is present in population databases (rs773852256, gnomAD 0.006%). This variant has not been reported in the literature in individuals affected with KIF1B-related conditions. ClinVar contains an entry for this variant (Variation ID: 1320291). An algorithm developed to predict the effect of missense changes on protein structure and function (PolyPhen-2) suggests that this variant is likely to be disruptive. In summary, the available evidence is currently insufficient to determine the role of this variant in disease. Therefore, it has been classified as a Variant of Uncertain Significance.

St. Jude Molecular Pathology, St. Jude Children's Research Hospital
Classification: Uncertain significance for Pheochromocytoma. Last evaluated: 2021-10-12. Review status: criteria provided, single submitter. Criteria: St. Jude Assertion Criteria 2020. Collection method: clinical testing. Allele origin: germline.
Comment: The KIF1B c.2036C>T (p.Ala679Val) missense change has a maximum subpopulation frequency of 0.0065% in gnomAD v2.1.1. This variant occurs in a gene where missense variants are more likely to be damaging based on methods described by Lek et al. (PP2; PMID: 27535533). In silico tools are not in agreement about the effect of this variant on protein function, but to our knowledge these predictions have not been confirmed by functional assays. To our knowledge, this variant has not been reported in individuals with pheochromocytoma or neuroblastoma. In summary, this variant meets criteria to be classified as of uncertain significance based on the ACMG/AMP criteria: PP2.